The following is an entry in ClinVar:

NM_001080467.3(MYO5B):c.5070C>T (p.Asn1690=)

Genes: MYO5B (myosin VB; minus strand), SNHG22 (small nucleolar RNA host gene 22; plus strand). Cytogenetic location: 18q21.1.
Variant type: single nucleotide variant.
Coding change: c.5070C>T on transcript NM_001080467.3 (MANE Select); coding-DNA position 5070, C replaced by T.
Protein change: p.Asn1690=; no amino-acid change (asparagine 1690 retained).
Molecular consequence: synonymous variant.
Genome position (GRCh38, 1-based): chr18:49,837,585, G>A on the plus strand (C>T on the coding strand, the complement: MYO5B is on the minus strand). VCF-style: chr18-49837585-G-A. GRCh37 (hg19) VCF-style: chr18-47363955-G-A.
Other names: c.5070C>T (NM_001080467.2).
Identifiers: ClinVar variation 1113766 (VCV001113766.12), dbSNP rs199837997, ClinGen allele CA8960156.

ClinVar aggregate classification (germline): Likely benign. Review status: criteria provided, multiple submitters, no conflicts (2 of 4 stars). 3 submissions from 3 submitters: Likely benign (2). 1 of the submissions does not count toward it. Last evaluated 2026-02-04.

Conditions:
MYO5B-related disorder. Also called: MYO5B-related condition.

Allele frequency attached by ClinVar (database versions not stated): gnomAD exomes 0.00002 and 0.00009; ESP Exome Variant Server 0.00008; ExAC 0.00011; gnomAD 0.00027; TOPMed 0.00060; 1000 Genomes Project 0.00080; 1000 Genomes Project 30x 0.00094.
gnomAD v4.1: 84 of 1,613,972 alleles (0.0052%); highest among the groups gnomAD compares: Admixed American, 0.067%; no homozygotes.

Submissions (3):

Labcorp Genetics (formerly Invitae), Labcorp
Classification: Likely benign. Last evaluated: 2026-02-04. Review status: criteria provided, single submitter. Criteria: Invitae Variant Classification Sherloc (09022015). Collection method: clinical testing. Allele origin: germline.

Breakthrough Genomics
Classification: Likely benign. Review status: criteria provided, single submitter. Criteria: ACMG Guidelines, 2015. Collection method: not provided. Allele origin: germline. Inheritance: Autosomal recessive inheritance. Affected: yes.

PreventionGenetics, part of Exact Sciences
Classification: Likely benign for MYO5B-related condition. Last evaluated: 2019-09-16. Review status: no assertion criteria provided. Collection method: clinical testing. Allele origin: germline. Not counted in ClinVar's aggregate classification.
Comment: This variant is classified as likely benign based on ACMG/AMP sequence variant interpretation guidelines (Richards et al. 2015 PMID: 25741868, with internal and published modifications).